The following is an entry in ClinVar:

ClinVar aggregate classification (germline): Likely benign. Review status: criteria provided, multiple submitters, no conflicts (2 of 4 stars). 3 submissions from 3 submitters: Likely benign (3). Last evaluated 2025-11-27.

Conditions:
Familial thoracic aortic aneurysm and aortic dissection (TAAD). Also called: Thoracic aortic aneurysms and dissections. Identifiers: Orphanet 91387, MedGen C4707243, MONDO:0019625.
Aortic aneurysm, familial thoracic 4 (AAT4). Also called: AORTIC ANEURYSM/AORTIC DISSECTION AND PATENT DUCTUS ARTERIOSUS. Identifiers: MedGen C1851504, MONDO:0007568, OMIM 132900.

Allele frequency attached by ClinVar (database versions not stated): ExAC 0.00002; gnomAD 0.00003; gnomAD exomes 0.00003 and 0.00007; TOPMed 0.00004; ESP Exome Variant Server 0.00023.
gnomAD v4.1: 98 of 1,613,438 alleles (0.0061%); highest among the groups gnomAD compares: Non-Finnish European, 0.008%; no homozygotes.

Submissions (3):

Labcorp Genetics (formerly Invitae), Labcorp
Classification: Likely benign for Aortic aneurysm, familial thoracic 4. Last evaluated: 2025-11-27. Review status: criteria provided, single submitter. Criteria: Invitae Variant Classification Sherloc (09022015). Collection method: clinical testing. Allele origin: germline.

Color Diagnostics, LLC DBA Color Health
Classification: Likely benign for Familial thoracic aortic aneurysm and aortic dissection. Last evaluated: 2019-01-08. Review status: criteria provided, single submitter. Criteria: ACMG Guidelines, 2015. Collection method: clinical testing. Allele origin: germline.

GeneDx
Classification: Likely benign. Last evaluated: 2016-06-27. Review status: criteria provided, single submitter. Criteria: GeneDx Variant Classification (06012015). Collection method: clinical testing. Allele origin: germline. Affected: yes.
Comment: This variant is considered likely benign or benign based on one or more of the following criteria: it is a conservative change, it occurs at a poorly conserved position in the protein, it is predicted to be benign by multiple in silico algorithms, and/or has population frequency not consistent with disease.

NM_002474.3(MYH11):c.4117-14C>T

Genes: NDE1 (nudE neurodevelopment protein 1; plus strand), MYH11 (myosin heavy chain 11; minus strand). Cytogenetic location: 16p13.11.
Variant type: single nucleotide variant.
Coding change: c.4117-14C>T on transcript NM_002474.3 (MANE Select); 14 bases into the intron before coding-DNA position 4117, C replaced by T.
Molecular consequence: intron variant. On other transcripts: 3 prime UTR variant (2).
Genome position (GRCh38, 1-based): chr16:15,724,423, G>A on the plus strand (C>T on the coding strand, the complement: MYH11 is on the minus strand). VCF-style: chr16-15724423-G-A. GRCh37 (hg19) VCF-style: chr16-15818280-G-A.
Other names: c.*172G>A (NM_001143979.2, NM_017668.3); c.4117-14C>T (NM_022844.3); c.4138-14C>T (NM_001040114.2, NM_001040113.2).
Identifiers: ClinVar variation 387210 (VCV000387210.10), dbSNP rs374648974, ClinGen allele CA7921759.